The following is an entry in ClinVar:

ClinVar aggregate classification (germline): Uncertain significance. Review status: criteria provided, multiple submitters, no conflicts (2 of 4 stars). 4 submissions from 4 submitters: Uncertain significance (4). Last evaluated 2026-04-23.

Conditions:
NPHP4-related disorder. Also called: NPHP4-related condition; NPHP4-related disorders. Identifiers: MedGen CN239384.
Nephronophthisis. Also called: Juvenile Nephronophthisis. Identifiers: Orphanet 655, MedGen C0687120, MONDO:0019005, HP:0000090.
Senior-Loken syndrome 4 (SLSN4). Identifiers: Orphanet 3156, MedGen C1846979, MONDO:0011756, OMIM 606996.
Nephronophthisis 4 (NPHP4). Also called: NEPHRONOPHTHISIS 4, JUVENILE. Identifiers: Orphanet 655, MedGen C1847013, MONDO:0011752, OMIM 606966.

Allele frequency attached by ClinVar (database versions not stated): TOPMed 0.00005.
gnomAD v4.1: 41 of 1,570,724 alleles (0.0026%); highest among the groups gnomAD compares: Admixed American, 0.065%; no homozygotes.

Submissions (4):

PreventionGenetics, part of Exact Sciences
Classification: Uncertain significance for NPHP4-related condition. Last evaluated: 2026-04-23. Review status: criteria provided, single submitter. Criteria: ACMG Guidelines, 2015. Collection method: clinical testing. Allele origin: germline.
Comment: The NPHP4 c.2807C>A variant is predicted to result in the amino acid substitution p.Thr936Lys. To our knowledge, this variant has not been reported in the literature. This variant is reported in 0.10% of alleles in individuals of Latino descent in gnomAD. Although we suspect that this variant may be benign, at this time, the clinical significance of this variant is uncertain due to the absence of conclusive functional and genetic evidence.

Labcorp Genetics (formerly Invitae), Labcorp
Classification: Uncertain significance for Nephronophthisis. Last evaluated: 2024-10-15. Review status: criteria provided, single submitter. Criteria: Invitae Variant Classification Sherloc (09022015). Collection method: clinical testing. Allele origin: germline.
Comment: This sequence change replaces threonine, which is neutral and polar, with lysine, which is basic and polar, at codon 936 of the NPHP4 protein (p.Thr936Lys). This variant is present in population databases (rs201074950, gnomAD 0.1%). This variant has not been reported in the literature in individuals affected with NPHP4-related conditions. ClinVar contains an entry for this variant (Variation ID: 167376). Invitae Evidence Modeling of protein sequence and biophysical properties (such as structural, functional, and spatial information, amino acid conservation, physicochemical variation, residue mobility, and thermodynamic stability) indicates that this missense variant is not expected to disrupt NPHP4 protein function with a negative predictive value of 80%. In summary, the available evidence is currently insufficient to determine the role of this variant in disease. Therefore, it has been classified as a Variant of Uncertain Significance.

Fulgent Genetics
Classification: Uncertain significance for Nephronophthisis 4; Senior-Loken syndrome 4. Last evaluated: 2024-03-29. Review status: criteria provided, single submitter. Criteria: ACMG Guidelines, 2015. Collection method: clinical testing. Allele origin: germline.

Eurofins Ntd Llc (ga)
Classification: Uncertain significance. Last evaluated: 2016-07-25. Review status: criteria provided, single submitter. Criteria: EGL Classification Definitions 2015. Collection method: clinical testing. Allele origin: germline. Observed: 2 variant alleles, 2 heterozygotes.

NM_015102.5(NPHP4):c.2807C>A (p.Thr936Lys)

Gene: NPHP4 (nephrocystin 4; minus strand). Cytogenetic location: 1p36.31.
Variant type: single nucleotide variant.
Coding change: c.2807C>A on transcript NM_015102.5 (MANE Select); coding-DNA position 2807, C replaced by A.
Protein change: p.Thr936Lys; replaces threonine 936 with lysine.
Molecular consequence: missense variant. On other transcripts: non-coding transcript variant (1).
Genome position (GRCh38, 1-based): chr1:5,877,103, G>T on the plus strand (C>A on the coding strand, the complement: NPHP4 is on the minus strand). VCF-style: chr1-5877103-G-T. GRCh37 (hg19) VCF-style: chr1-5937163-G-T.
Other names: c.1268C>A, p.Thr423Lys (NM_001291593.2); c.1271C>A, p.Thr424Lys (NM_001291594.2); short protein forms T936K, T424K, T423K.
Identifiers: ClinVar variation 167376 (VCV000167376.16), dbSNP rs201074950, ClinGen allele CA234412.